The following is an entry in ClinVar:

ClinVar aggregate classification (germline): Uncertain significance (1 of 4 stars; one submission).

Allele frequency attached by ClinVar (database versions not stated): gnomAD exomes below 0.00001; gnomAD 0.00001; TOPMed 0.00002.
gnomAD v4.1: 6 of 1,613,614 alleles (0.00037%); highest among the groups gnomAD compares: Non-Finnish European, 0.00051%; no homozygotes.

Submission:

Labcorp Genetics (formerly Invitae), Labcorp
Classification: Uncertain significance. Last evaluated: 2022-02-23. Review status: criteria provided, single submitter. Criteria: Invitae Variant Classification Sherloc (09022015). Collection method: clinical testing. Allele origin: germline.
Comment: This sequence change replaces asparagine, which is neutral and polar, with aspartic acid, which is acidic and polar, at codon 493 of the ELP1 protein (p.Asn493Asp). This variant is present in population databases (rs768857819, gnomAD 0.0009%). This variant has not been reported in the literature in individuals affected with ELP1-related conditions. Algorithms developed to predict the effect of missense changes on protein structure and function output the following: SIFT: "Tolerated"; PolyPhen-2: "Benign"; Align-GVGD: "Class C0". The aspartic acid amino acid residue is found in multiple mammalian species, which suggests that this missense change does not adversely affect protein function. In summary, the available evidence is currently insufficient to determine the role of this variant in disease. Therefore, it has been classified as a Variant of Uncertain Significance.

NM_003640.5(ELP1):c.1477A>G (p.Asn493Asp)

Gene: ELP1 (elongator acetyltransferase complex subunit 1; minus strand). Cytogenetic location: 9q31.3.
Variant type: single nucleotide variant.
Coding change: c.1477A>G on transcript NM_003640.5 (MANE Select); coding-DNA position 1477, A replaced by G.
Protein change: p.Asn493Asp; replaces asparagine 493 with aspartic acid.
Molecular consequence: missense variant.
Genome position (GRCh38, 1-based): chr9:108,906,469, T>C on the plus strand (A>G on the coding strand, the complement: ELP1 is on the minus strand). VCF-style: chr9-108906469-T-C. GRCh37 (hg19) VCF-style: chr9-111668749-T-C.
Other names: c.1135A>G, p.Asn379Asp (NM_001318360.2); c.430A>G, p.Asn144Asp (NM_001330749.2); short protein forms N379D, N144D, N493D.
Identifiers: ClinVar variation 2080704 (VCV002080704.1), dbSNP rs768857819, ClinGen allele CA197540465.